The following is an entry in ClinVar:

ClinVar aggregate classification (germline): Uncertain significance. Review status: criteria provided, multiple submitters, no conflicts (2 of 4 stars). 6 submissions from 6 submitters: Uncertain significance (5). 1 of the submissions does not count toward it. Last evaluated 2025-10-28.

Conditions:
Hereditary cancer-predisposing syndrome. Also called: Tumor predisposition; Neoplastic Syndromes, Hereditary; Hereditary neoplastic syndrome; Hereditary Cancer Syndrome. Identifiers: Orphanet 140162, MedGen C0027672, MeSH D009386, MONDO:0015356.
Hereditary breast ovarian cancer syndrome. Also called: Hereditary breast and ovarian cancer; Hereditary breast and ovarian cancer syndrome (HBOC); Hereditary breast and/or ovarian cancer syndrome; Breast and ovarian cancer; Hereditary breast and ovarian cancer syndrome; BRCA1- and BRCA2-Associated Hereditary Breast and Ovarian Cancer. Identifiers: Orphanet 145, MedGen C0677776, MeSH D061325, MONDO:0003582. Disease mechanism: loss of function.
Breast-ovarian cancer, familial, susceptibility to, 2 (BROVCA2). Also called: BRCA2 Hereditary Breast and Ovarian Cancer. Identifiers: Orphanet 145, MedGen C2675520, MONDO:0012933, OMIM 612555. Disease mechanism: loss of function.

Allele frequency attached by ClinVar (database versions not stated): gnomAD exomes below 0.00001 and 0.00001; gnomAD 0.00001.
gnomAD v4.1: 3 of 1,614,028 alleles (0.00019%); highest among the groups gnomAD compares: Admixed American, 0.005%; no homozygotes.

Submissions (6):

Labcorp Genetics (formerly Invitae), Labcorp
Classification: Uncertain significance for Hereditary breast ovarian cancer syndrome. Last evaluated: 2025-10-28. Review status: criteria provided, single submitter. Criteria: Invitae Variant Classification Sherloc (09022015). Collection method: clinical testing. Allele origin: germline.
Comment: This sequence change replaces leucine, which is neutral and non-polar, with serine, which is neutral and polar, at codon 3271 of the BRCA2 protein (p.Leu3271Ser). This variant is present in population databases (rs397507436, gnomAD 0.009%). This missense change has been observed in individual(s) with breast cancer (PMID: 25186627). ClinVar contains an entry for this variant (Variation ID: 38264). Invitae Evidence Modeling of protein sequence and biophysical properties (such as structural, functional, and spatial information, amino acid conservation, physicochemical variation, residue mobility, and thermodynamic stability) indicates that this missense variant is not expected to disrupt BRCA2 protein function with a negative predictive value of 95%. In summary, the available evidence is currently insufficient to determine the role of this variant in disease. Therefore, it has been classified as a Variant of Uncertain Significance.

Ambry Genetics
Classification: Uncertain significance for Hereditary cancer-predisposing syndrome. Last evaluated: 2024-10-23. Review status: criteria provided, single submitter. Criteria: Ambry Variant Classification Scheme 2023. Collection method: clinical testing. Allele origin: germline.
Comment: The p.L3271S variant (also known as c.9812T>C), located in coding exon 26 of the BRCA2 gene, results from a T to C substitution at nucleotide position 9812. The leucine at codon 3271 is replaced by serine, an amino acid with dissimilar properties. This variant was observed in an individual with early onset-breast cancer amongst a cohort of 1781 non-Ashkenazi Jewish individuals undergoing BRCA1/2 gene testing based on a personal history of breast cancer (Tung N et al. Cancer, 2015 Jan;121:25-33). This amino acid position is well conserved in available vertebrate species. In addition, the in silico prediction for this alteration is inconclusive. Since supporting evidence is limited at this time, the clinical significance of this alteration remains unclear.

Quest Diagnostics Nichols Institute San Juan Capistrano
Classification: Uncertain significance. Last evaluated: 2023-10-06. Review status: criteria provided, single submitter. Criteria: Quest Diagnostics criteria. Collection method: clinical testing. Allele origin: unknown.

Women's Health and Genetics/Laboratory Corporation of America, LabCorp
Classification: Uncertain significance. Last evaluated: 2019-10-22. Review status: criteria provided, single submitter. Criteria: LabCorp Variant Classification Summary - May 2015. Collection method: clinical testing. Allele origin: germline.
Comment: Variant summary: BRCA2 c.9812T>C (p.Leu3271Ser) results in a non-conservative amino acid change located in the Cy (RxL)-binding motif (amino acids 3,269-3,271; Esashi_2005) of the encoded protein sequence. Four of five in-silico tools predict a damaging effect of the variant on protein function. The variant allele was found at a frequency of 8e-06 in 251370 control chromosomes (gnomAD). The available data on variant occurrences in the general population are insufficient to allow any conclusion about variant significance. c.9812T>C has been reported in the literature in an individual affected with Breast Cancer (Tung_2015). This report does not provide an unequivocal conclusion about association of the variant with Hereditary Breast and Ovarian Cancer. To our knowledge, no experimental evidence demonstrating an impact on protein function has been reported. Three ClinVar submissions (evaluation after 2014) cites the variant as uncertain significance. Based on the evidence outlined above, the variant was classified as uncertain significance.

GeneDx
Classification: Uncertain significance. Last evaluated: 2016-02-05. Review status: criteria provided, single submitter. Criteria: GeneDx Variant Classification (06012015). Collection method: clinical testing. Allele origin: germline. Affected: yes.
Comment: This variant is denoted BRCA2 c.9812T>C at the cDNA level, p.Leu3271Ser (L3271S) at the protein level, and results in the change of a Leucine to a Serine (TTG>TCG). Using alternate nomenclature, this variant would be defined as BRCA2 10040T>C. This variant has not, to our knowledge, been published in the literature as pathogenic or benign. BRCA2 Leu3271Ser was not observed in approximately 6,500 individuals of European and African American ancestry in the NHLBI Exome Sequencing Project, suggesting it is not a common benign variant in these populations. Since Leucine and Serine differ in polarity, charge, size or other properties, this is considered a non-conservative amino acid substitution. BRCA2 Leu3271Ser occurs at a position where amino acids with properties similar to Leucine are tolerated across species and is located within the Cyclin A binding domain (Esashi 2005). In silico analyses predict that this variant is probably damaging to protein structure and function. Based on currently available evidence, it is unclear whether BRCA2 Leu3271Ser is a pathogenic or benign variant. We consider it to be a variant of uncertain significance.

Sharing Clinical Reports Project (SCRP)
Classification: Uncertain significance for Breast-ovarian cancer, familial 2. Last evaluated: 2012-10-16. Review status: no assertion criteria provided. Collection method: clinical testing. Allele origin: germline. Not counted in ClinVar's aggregate classification.

Literature cited by the submitters: PubMed 25186627 (cited by 4 submitters).

NM_000059.4(BRCA2):c.9812T>C (p.Leu3271Ser)

Gene: BRCA2 (BRCA2 DNA repair associated; plus strand). Cytogenetic location: 13q13.1.
Variant type: single nucleotide variant.
Coding change: c.9812T>C on transcript NM_000059.4 (MANE Select); coding-DNA position 9812, T replaced by C.
Protein change: p.Leu3271Ser; replaces leucine 3271 with serine.
Molecular consequence: missense variant.
Genome position (GRCh38, 1-based): chr13:32,398,325, T>C. VCF-style: chr13-32398325-T-C. GRCh37 (hg19) VCF-style: chr13-32972462-T-C.
Other names: 10040T>C; short protein forms L3271S.
Identifiers: ClinVar variation 38264 (VCV000038264.22), dbSNP rs397507436, ClinGen allele CA026302.
Genomic context (GRCh38, chr13:32,398,325, plus strand): 5'-AGTCTTGTAAAGGGGAGAAAGAGATTGATGACCAAAAGAACTGCAAAAAGAGAAGAGCCT[T>C]GGATTTCTTGAGTAGACTGCCTTTACCTCCACCTGTTAGTCCCATTTGTACATTTGTTTC-3'
Protein context (NP_000050.3, residues 3261-3281): DQKNCKKRRA[Leu3271Ser]DFLSRLPLPP